The following is an entry in ClinVar:

NM_080632.3(UPF3B):c.1006A>G (p.Arg336Gly)

Gene: UPF3B (UPF3B regulator of nonsense mediated mRNA decay; minus strand). Cytogenetic location: Xq24.
Variant type: single nucleotide variant.
Coding change: c.1006A>G on transcript NM_080632.3 (MANE Select); coding-DNA position 1006, A replaced by G.
Protein change: p.Arg336Gly; replaces arginine 336 with glycine.
Molecular consequence: missense variant.
Genome position (GRCh38, 1-based): chrX:119,838,368, T>C on the plus strand (A>G on the coding strand, the complement: UPF3B is on the minus strand). VCF-style: chrX-119838368-T-C. GRCh37 (hg19) VCF-style: chrX-118972331-T-C.
Other names: c.967A>G, p.Arg323Gly (NM_023010.4); short protein forms R336G, R323G.
Identifiers: ClinVar variation 423278 (VCV000423278.2), dbSNP rs1064796338, ClinGen allele CA16621187.

ClinVar aggregate classification (germline): Uncertain significance (1 of 4 stars; one submission).

Submission:

GeneDx
Classification: Uncertain significance. Last evaluated: 2017-02-07. Review status: criteria provided, single submitter. Criteria: GeneDx Variant Classification (06012015). Collection method: clinical testing. Allele origin: germline. Affected: yes.
Comment: The c.1006 A>G variant in the UPF3B gene has not been reported previously as a pathogenic variant, nor as a benign variant, to our knowledge. The c.1006 A>G variant is not observed in large population cohorts (Lek et al., 2016; 1000 Genomes Consortium et al., 2015; Exome Variant Server). In-silico splice prediction models are inconsistent in their prediction of whether or not c.1006 A>G reduces the quality of the natural splice donor site in intron 9 and in the absence of RNA/functional studies, the actual effect of the c.1006 A>G change in this individual is unknown. If c.1006 A>G does not alter splicing, it will result in the R336G missense change. The R336G variant is a non-conservative amino acid substitution, which is likely to impact secondary protein structure as these residues differ in polarity, charge, size and/or other properties. This substitution occurs at a position where amino acids with similar properties to Arginine are tolerated across species. In silico analysis is inconsistent in its predictions as to whether or not the R336G variant is damaging to the protein structure/function. We interpret c.1006 A>G as a variant of uncertain significance.